The following is an entry in ClinVar:

NC_000001.10:g.(?_12058817)_(12059162_?)del

Gene: MFN2 (mitofusin 2; plus strand). Cytogenetic location: 1p36.22.
Variant type: Deletion.
Identifiers: ClinVar variation 1076044 (VCV001076044.1).

ClinVar aggregate classification (germline): Pathogenic (1 of 4 stars; one submission).

Conditions:
Charcot-Marie-Tooth disease type 2. Also called: Charcot-Marie-Tooth type 2. Identifiers: Orphanet 64746, MedGen C0270914, MONDO:0018993.

Submission:

Labcorp Genetics (formerly Invitae), Labcorp
Classification: Pathogenic for Charcot-Marie-Tooth disease type 2. Last evaluated: 2020-07-03. Review status: criteria provided, single submitter. Criteria: Invitae Variant Classification Sherloc (09022015). Collection method: clinical testing. Allele origin: germline.
Comment: This sequence change is a gross deletion of the genomic region encompassing exons 7-8 of the MFN2 gene. Deletion of MFN2 exons 7-8 has been reported in at least 5 unrelated families with recessive, severe, early-onset axonal neuropathy. In all cases affected individuals were found to be compound heterozygous for a pathogenic missense variant and the exon 7-8 deletion. None of the carrier parents were reported to have symptoms (PMID: 21715711, 26114802). Analysis of mRNA isolated from blood of 2 affected individuals with exons 7-8 deletion showed a shortened transcript that may be susceptible to either nonsense mediated decay or, if translated, it is expected to result in an out of frame MFN2 protein starting at codon 200 followed by premature truncation (PMID: 21715711). For these reasons, this variant has been classified as Pathogenic.

Literature cited by the submitters: PubMed 21715711; PubMed 26114802.